The following is an entry in ClinVar:

ClinVar aggregate classification (germline): Uncertain significance (1 of 4 stars; one submission).

Conditions:
Fanconi anemia complementation group J. Also called: BRIP1-Related Fanconi Anemia. Identifiers: Orphanet 84, MedGen C1836860, MONDO:0012187, OMIM 609054.
Familial cancer of breast. Also called: hereditary breast carcinoma; Hereditary breast cancer; BREAST CANCER, FAMILIAL. Identifiers: Orphanet 227535, MedGen C0346153, MONDO:0016419, OMIM 114480. Disease mechanism: loss of function.

Submission:

Labcorp Genetics (formerly Invitae), Labcorp
Classification: Uncertain significance for Familial cancer of breast; Fanconi anemia complementation group J. Last evaluated: 2023-11-15. Review status: criteria provided, single submitter. Criteria: Invitae Variant Classification Sherloc (09022015). Collection method: clinical testing. Allele origin: germline.
Comment: This sequence change replaces leucine, which is neutral and non-polar, with arginine, which is basic and polar, at codon 1058 of the BRIP1 protein (p.Leu1058Arg). This variant is not present in population databases (gnomAD no frequency). This variant has not been reported in the literature in individuals affected with BRIP1-related conditions. ClinVar contains an entry for this variant (Variation ID: 1053511). An algorithm developed to predict the effect of missense changes on protein structure and function (PolyPhen-2) suggests that this variant is likely to be tolerated. In summary, the available evidence is currently insufficient to determine the role of this variant in disease. Therefore, it has been classified as a Variant of Uncertain Significance.

NM_032043.3(BRIP1):c.3173T>G (p.Leu1058Arg)

Gene: BRIP1 (BRCA1 interacting DNA helicase 1; minus strand). Cytogenetic location: 17q23.2.
Variant type: single nucleotide variant.
Coding change: c.3173T>G on transcript NM_032043.3 (MANE Select); coding-DNA position 3173, T replaced by G.
Protein change: p.Leu1058Arg; replaces leucine 1058 with arginine.
Molecular consequence: missense variant.
Genome position (GRCh38, 1-based): chr17:61,683,873, A>C on the plus strand (T>G on the coding strand, the complement: BRIP1 is on the minus strand). VCF-style: chr17-61683873-A-C. GRCh37 (hg19) VCF-style: chr17-59761234-A-C.
Other names: short protein forms L1058R.
Identifiers: ClinVar variation 1053511 (VCV001053511.10), dbSNP rs2144085714, ClinGen allele CA400479439.
Genomic context (GRCh38, chr17:61,683,873, plus strand): 5'-TTTAATGATGAAATAATGGTTTCTGATTGAGGGCATGATCCAAACGATGTGTTTACTGTC[A>C]GATTTGAGGATTCACATTTATCAGTGAAGGGCAAAACAGTTTTACTTTCCATCTTCTCTG-3'
Protein context (NP_114432.2, residues 1048-1068): PFTDKCESSN[Leu1058Arg]TVNTSFGSCP